The following is an entry in ClinVar:

NM_001384474.1(LOXHD1):c.5295_5296insGCCGGGCGCGGTGGCTCACGCCTGTAATCCCAGCACTTTGGGAGGCCGAGGCGGGTGGATCATGAGGNNNNNNNNNNAAAAAAAAAAAAAAAAAAAAGAAATGACGGTGTGG (p.Thr1766delinsAlaGlyArgGlyGlySerArgLeuTer)

Gene: LOXHD1 (lipoxygenase homology PLAT domains 1; minus strand). Cytogenetic location: 18q21.1.
Variant type: Insertion.
Coding change: c.5295_5296insGCCGGGCGCGGTGGCTCACGCCTGTAATCCCAGCACTTTGGGAGGCCGAGGCGGGTGGATCATGAGGNNNNNNNNNNAAAAAAAAAAAAAAAAAAAAGAAATGACGGTGTGG on transcript NM_001384474.1 (MANE Select); coding-DNA positions 5295 to 5296, GCCGGGCGCGGTGGCTCACGCCTGTAATCCCAGCACTTTGGGAGGCCGAGGCGGGTGGATCATGAGGNNNNNNNNNNAAAAAAAAAAAAAAAAAAAAGAAATGACGGTGTGG inserted.
Protein change: p.Thr1766delinsAlaGlyArgGlyGlySerArgLeuTer.
Molecular consequence: nonsense. On other transcripts: initiator codon variant (2).
Genome position: GRCh38: chr18:46,518,247-46,518,248. GRCh37 (hg19): chr18:44,098,210-44,098,211.
Other names: c.1962_1963insGCCGGGCGCGGTGGCTCACGCCTGTAATCCCAGCACTTTGGGAGGCCGAGGCGGGTGGATCATGAGGNNNNNNNNNNAAAAAAAAAAAAAAAAAAAAGAAATGACGGTGTGG, p.Thr655delinsAlaGlyArgGlyGlySerArgLeuTer (NM_001145472.3); c.12_13insGCCGGGCGCGGTGGCTCACGCCTGTAATCCCAGCACTTTGGGAGGCCGAGGCGGGTGGATCATGAGGNNNNNNNNNNAAAAAAAAAAAAAAAAAAAAGAAATGACGGTGTGG, p.Thr5delinsAlaGlyArgGlyGlySerArgLeuTer (NM_001145473.3, NM_001173129.2); c.1674_1675insGCCGGGCGCGGTGGCTCACGCCTGTAATCCCAGCACTTTGGGAGGCCGAGGCGGGTGGATCATGAGGNNNNNNNNNNAAAAAAAAAAAAAAAAAAAAGAAATGACGGTGTGG, p.Thr559delinsAlaGlyArgGlyGlySerArgLeuTer (NM_001308013.2); c.5109_5110insGCCGGGCGCGGTGGCTCACGCCTGTAATCCCAGCACTTTGGGAGGCCGAGGCGGGTGGATCATGAGGNNNNNNNNNNAAAAAAAAAAAAAAAAAAAAGAAATGACGGTGTGG, p.Thr1704delinsAlaGlyArgGlyGlySerArgLeuTer (NM_144612.7).
Identifiers: ClinVar variation 2764799 (VCV002764799.3), dbSNP rs2511570088.

ClinVar aggregate classification (germline): Pathogenic (1 of 4 stars; one submission).

Submission:

Labcorp Genetics (formerly Invitae), Labcorp
Classification: Pathogenic. Last evaluated: 2023-10-02. Review status: criteria provided, single submitter. Criteria: Invitae Variant Classification Sherloc (09022015). Collection method: clinical testing. Allele origin: germline.
Comment: This sequence change inserts a large fragment of DNA, likely a transposable element, in exon 33 of the LOXHD1 gene (c.5109_5110ins?), causing a frameshift at codon 1704 (p.Thr1704fs). The exact size and sequence of the insertion cannot be determined by the current assay. However, the insertion is expected to result in an absent or disrupted protein product. This variant is not present in population databases (gnomAD no frequency). This variant has not been reported in the literature in individuals affected with LOXHD1-related conditions. Retrotransposon insertions including LINE1 (L1), Alu, and SVA (SINE-VNTR-Alu) have been reported to be disease-causing through disruption of either a coding region or splice site (PMID: 19763152, 20307669, 22406018) and loss-of-function variants in LOXHD1 are known to be pathogenic (PMID: 19732867, 21465660, 25792669). For these reasons, this variant has been classified as Pathogenic.

Literature cited by the submitters: PubMed 19763152; PubMed 20307669; PubMed 22406018; PubMed 19732867; PubMed 21465660; PubMed 25792669.